The following is an entry in ClinVar:

ClinVar aggregate classification (germline): Conflicting classifications of pathogenicity. Review status: criteria provided, conflicting classifications (1 of 4 stars). 2 submissions from 2 submitters: Uncertain significance (1); Likely benign (1). Last evaluated 2026-08-01.

Submissions (2):

CeGaT Center for Human Genetics Tuebingen
Classification: Likely benign. Last evaluated: 2026-08-01. Review status: criteria provided, single submitter. Criteria: CeGaT Center For Human Genetics Tuebingen Variant Classification Criteria Version 2. Collection method: clinical testing. Allele origin: germline. Affected: yes. Observed: 1 variant allele.
Comment: ZNF462: BP3, BS2

GeneDx
Classification: Uncertain significance. Last evaluated: 2024-09-20. Review status: criteria provided, single submitter. Criteria: GeneDx Variant Classification Process June 2021. Collection method: clinical testing. Allele origin: germline. Affected: yes.
Comment: In-frame duplication of 2 amino acids in a non-repeat region; Has not been previously published as pathogenic or benign to our knowledge

NM_021224.6(ZNF462):c.2175GGAAGA[3] (p.Glu728_Asp729insGluGlu)

Gene: ZNF462 (zinc finger protein 462; plus strand). Cytogenetic location: 9q31.2.
Variant type: Microsatellite.
Coding change: c.2175GGAAGA[3] on transcript NM_021224.6 (MANE Select); three copies in a row of the 6-base unit GGAAGA starting at c.2175; the reference has two copies in a row; one copy, 6 bases duplicated.
Protein change: p.Glu728_Asp729insGluGlu.
Genome position (GRCh38, 1-based): chr9:106,926,093-106,926,098, GGAAGA duplicated; duplicating any 6 consecutive bases within chr9:106,926,082-106,926,098 gives the same sequence; the position shown is the placement nearest the transcript's 3' end. VCF-style (leftmost placement, unchanged base first): chr9-106926081-T-TGAAGAG. GRCh37 (hg19) VCF-style: chr9-109688362-T-TGAAGAG.
Other names: c.2175GGAAGA[3], p.Glu728_Asp729insGluGlu (NM_001347997.2).
Identifiers: ClinVar variation 3774273 (VCV003774273.2).